The following is an entry in ClinVar:

ClinVar aggregate classification (germline): Uncertain significance (1 of 4 stars; one submission).

Allele frequency attached by ClinVar (database versions not stated): ExAC 0.00002; gnomAD 0.00002 and 0.00003; gnomAD exomes 0.00002 and 0.00004; TOPMed 0.00002.
gnomAD v4.1: 64 of 1,613,998 alleles (0.004%); highest among the groups gnomAD compares: Middle Eastern, 0.033%; 1 homozygote.

Submission:

Labcorp Genetics (formerly Invitae), Labcorp
Classification: Uncertain significance. Last evaluated: 2025-07-27. Review status: criteria provided, single submitter. Criteria: Invitae Variant Classification Sherloc (09022015). Collection method: clinical testing. Allele origin: germline.
Comment: This sequence change replaces proline, which is neutral and non-polar, with leucine, which is neutral and non-polar, at codon 201 of the COL13A1 protein (p.Pro201Leu). This variant is present in population databases (rs751540644, gnomAD 0.004%). This variant has not been reported in the literature in individuals affected with COL13A1-related conditions. ClinVar contains an entry for this variant (Variation ID: 1386664). An algorithm developed to predict the effect of missense changes on protein structure and function outputs the following: PolyPhen-2: "Probably Damaging". The leucine amino acid residue is found in multiple mammalian species, which suggests that this missense change does not adversely affect protein function. In summary, the available evidence is currently insufficient to determine the role of this variant in disease. Therefore, it has been classified as a Variant of Uncertain Significance.

NM_001368882.1(COL13A1):c.629C>T (p.Pro210Leu)

Gene: COL13A1 (collagen type XIII alpha 1 chain; plus strand). Cytogenetic location: 10q22.1.
Variant type: single nucleotide variant.
Coding change: c.629C>T on transcript NM_001368882.1 (MANE Select); coding-DNA position 629, C replaced by T.
Protein change: p.Pro210Leu; replaces proline 210 with leucine.
Molecular consequence: missense variant.
Genome position (GRCh38, 1-based): chr10:69,894,577, C>T. VCF-style: chr10-69894577-C-T. GRCh37 (hg19) VCF-style: chr10-71654333-C-T.
Other names: c.602C>T, p.Pro201Leu (NM_001130103.2, NM_080800.4, NM_080801.4 and 1 more transcripts); c.629C>T, p.Pro210Leu (NM_001320951.2, NM_001368884.1); c.593C>T, p.Pro198Leu (NM_001368883.1, NM_001368885.1); c.29C>T, p.Pro10Leu (NM_001368886.1); c.539C>T, p.Pro180Leu (NM_001368895.1); c.488C>T, p.Pro163Leu (NM_001368896.1, NM_001368898.1, NM_080798.4); c.515C>T, p.Pro172Leu (NM_001368897.1, NM_080805.4); short protein forms P163L, P180L, P172L, P201L, P210L, P10L, P198L.
Identifiers: ClinVar variation 1386664 (VCV001386664.4), dbSNP rs751540644, ClinGen allele CA5534314.